The following is an entry in ClinVar:

ClinVar aggregate classification (germline): Pathogenic (1 of 4 stars; one submission).

Conditions:
Familial thoracic aortic aneurysm and aortic dissection (TAAD). Also called: Thoracic aortic aneurysms and dissections. Identifiers: Orphanet 91387, MedGen C4707243, MONDO:0019625.
Marfan syndrome (MFS). Also called: MARFAN SYNDROME, TYPE I; Marfan syndrome type 1; Marfan's syndrome; Marfan syndrome, classic; FBN1-Related Marfan Syndrome. Identifiers: Orphanet 284963, Orphanet 558, MedGen C0024796, MONDO:0007947, OMIM 154700.

Submission:

Labcorp Genetics (formerly Invitae), Labcorp
Classification: Pathogenic for Marfan syndrome; Familial thoracic aortic aneurysm and aortic dissection. Last evaluated: 2022-01-28. Review status: criteria provided, single submitter. Criteria: Invitae Variant Classification Sherloc (09022015). Collection method: clinical testing. Allele origin: germline.
Comment: This sequence change creates a premature translational stop signal (p.Thr2544Leufs*138) in the FBN1 gene. It is expected to result in an absent or disrupted protein product. Loss-of-function variants in FBN1 are known to be pathogenic (PMID: 17657824, 19293843). This variant is not present in population databases (gnomAD no frequency). This variant has not been reported in the literature in individuals affected with FBN1-related conditions. For these reasons, this variant has been classified as Pathogenic.

Literature cited by the submitters: PubMed 17657824; PubMed 19293843.

NM_000138.5(FBN1):c.7630del (p.Thr2544fs)

Gene: FBN1 (fibrillin 1; minus strand). Cytogenetic location: 15q21.1.
Variant type: Deletion.
Coding change: c.7630del on transcript NM_000138.5 (MANE Select); coding-DNA position 7630, one base deleted (A; older notation c.7630delA).
Protein change: p.Thr2544fs; shifts the reading frame from threonine 2544.
Molecular consequence: frameshift variant.
Genome position (GRCh38, 1-based): chr15:48,421,627, T deleted on the plus strand (A on the coding strand, the reverse complement: FBN1 is on the minus strand). VCF-style (leftmost placement, unchanged base first): chr15-48421626-GT-G. GRCh37 (hg19) VCF-style: chr15-48713823-GT-G.
Other names: c.7630delA, p.Thr2544Leufs (NM_001406716.1); short protein forms T2544fs.
Identifiers: ClinVar variation 2090703 (VCV002090703.4), dbSNP rs2533171057, ClinGen allele CA2580089549.